The following is an entry in ClinVar:

ClinVar aggregate classification (germline): Uncertain significance. Review status: criteria provided, multiple submitters, no conflicts (2 of 4 stars). 2 submissions from 2 submitters: Uncertain significance (2). Last evaluated 2025-10-23.

Submissions (2):

GeneDx
Classification: Uncertain significance. Last evaluated: 2025-10-23. Review status: criteria provided, single submitter. Criteria: GeneDx Variant Classification Process June 2021. Collection method: clinical testing. Allele origin: germline.
Comment: Not observed at significant frequency in large population cohorts (gnomAD); In silico analysis suggests that this missense variant does not alter protein structure/function; Has not been previously published as pathogenic or benign to our knowledge

Women's Health and Genetics/Laboratory Corporation of America, LabCorp
Classification: Uncertain significance. Last evaluated: 2025-05-05. Review status: criteria provided, single submitter. Criteria: LabCorp Variant Classification Summary - May 2015. Collection method: clinical testing. Allele origin: germline.
Comment: Variant summary: TCF20 c.3319G>A (p.Gly1107Arg) results in a non-conservative amino acid change in the encoded protein sequence. Algorithms developed to predict the effect of missense changes on protein structure and function are either unavailable or do not agree on the potential impact of this missense change. The variant was absent in 251456 control chromosomes. The available data on variant occurrences in the general population are insufficient to allow any conclusion about variant significance. To our knowledge, no occurrence of c.3319G>A in individuals affected with Developmental Delay With Variable Intellectual Impairment And Behavioral Abnormalities and no experimental evidence demonstrating its impact on protein function have been reported. ClinVar contains an entry for this variant (Variation ID: 2428994). Based on the evidence outlined above, the variant was classified as uncertain significance.

NM_001378418.1(TCF20):c.3319G>A (p.Gly1107Arg)

Gene: TCF20 (transcription factor 20; minus strand). Cytogenetic location: 22q13.2.
Variant type: single nucleotide variant.
Coding change: c.3319G>A on transcript NM_001378418.1 (MANE Select); coding-DNA position 3319, G replaced by A.
Protein change: p.Gly1107Arg; replaces glycine 1107 with arginine.
Molecular consequence: missense variant.
Genome position (GRCh38, 1-based): chr22:42,211,987, C>T on the plus strand (G>A on the coding strand, the complement: TCF20 is on the minus strand). VCF-style: chr22-42211987-C-T. GRCh37 (hg19) VCF-style: chr22-42607993-C-T.
Other names: c.3319G>A, p.Gly1107Arg (NM_005650.4, NM_181492.3); short protein forms G1107R.
Identifiers: ClinVar variation 2428994 (VCV002428994.5), dbSNP rs1034640033, ClinGen allele CA324699871.